The following is an entry in ClinVar:

NM_000061.3(BTK):c.1631+5G>C

Gene: BTK (Bruton tyrosine kinase; minus strand). Cytogenetic location: Xq22.1.
Variant type: single nucleotide variant.
Coding change: c.1631+5G>C on transcript NM_000061.3 (MANE Select); 5 bases into the intron after coding-DNA position 1631, G replaced by C.
Molecular consequence: intron variant.
Genome position (GRCh38, 1-based): chrX:101,354,625, C>G on the plus strand (G>C on the coding strand, the complement: BTK is on the minus strand). VCF-style: chrX-101354625-C-G. GRCh37 (hg19) VCF-style: chrX-100609613-C-G.
Other names: c.1733+5G>C (NM_001287344.2); c.1103+5G>C (NM_001287345.2).
Identifiers: ClinVar variation 858791 (VCV000858791.10), dbSNP rs1926404279, ClinGen allele CA916081275.

ClinVar aggregate classification (germline): Likely pathogenic (1 of 4 stars; one submission).

Conditions:
X-linked agammaglobulinemia with growth hormone deficiency (IGHD3). Also called: FLEISHER SYNDROME; HYPOGAMMAGLOBULINEMIA AND ISOLATED GROWTH HORMONE DEFICIENCY, X-LINKED; IGHD III; Isolated growth hormone deficiency type 3; Growth hormone deficiency with hypogammaglobulinemia; ISOLATED GROWTH HORMONE DEFICIENCY, TYPE III, WITH AGAMMAGLOBULINEMIA. Identifiers: Orphanet 231692, Orphanet 631, MedGen C0472813, MONDO:0010615, OMIM 307200.

Submission:

Labcorp Genetics (formerly Invitae), Labcorp
Classification: Likely pathogenic for X-linked agammaglobulinemia with growth hormone deficiency. Last evaluated: 2020-02-22. Review status: criteria provided, single submitter. Criteria: Invitae Variant Classification Sherloc (09022015). Collection method: clinical testing. Allele origin: germline.
Comment: In summary, the currently available evidence indicates that the variant is pathogenic, but additional data are needed to prove that conclusively. Therefore, this variant has been classified as Likely Pathogenic. Nucleotide substitutions within the consensus splice site are a relatively common cause of aberrant splicing (PMID: 17576681, 9536098). Algorithms developed to predict the effect of sequence changes on RNA splicing suggest that this variant may disrupt the consensus splice site, but this prediction has not been confirmed by published transcriptional studies. This variant has been observed in an individual affected with X-linked agammaglobulinemia (PMID: 19904586). In addition, other sequence changes affecting this same nucleotide have also been observed in individuals affected with X-linked agammaglobulinemia (PMID: 19419768, 14974089). This variant is also known as IVS16+5G>C in the literature. This variant is not present in population databases (ExAC no frequency). This sequence change falls in intron 16 of the BTK gene. It does not directly change the encoded amino acid sequence of the BTK protein, but it affects a nucleotide within the consensus splice site of the intron.

Literature cited by the submitters: PubMed 17576681; PubMed 9536098; PubMed 19904586; PubMed 19419768; PubMed 14974089.